The following is an entry in ClinVar:

NM_001378454.1(ALMS1):c.9151_9152del (p.Cys3052fs)

Gene: ALMS1 (ALMS1 centrosome and basal body associated protein; plus strand). Cytogenetic location: 2p13.1.
Variant type: Microsatellite.
Coding change: c.9151_9152del on transcript NM_001378454.1 (MANE Select); coding-DNA positions 9151 to 9152, 2 bases deleted (CT; older notation c.9151_9152delCT).
Protein change: p.Cys3052fs; shifts the reading frame from cysteine 3052.
Molecular consequence: frameshift variant.
Genome position (GRCh38, 1-based): chr2:73,491,110-73,491,111, CT deleted; deleting any 2 consecutive bases within chr2:73,491,108-73,491,111 gives the same sequence; the c. name uses the placement nearest the transcript's 3' end. VCF-style (leftmost placement, unchanged base first): chr2-73491107-ACT-A. GRCh37 (hg19) VCF-style: chr2-73718234-ACT-A.
Other names: c.9154_9155delCT (NM_015120.4); c.9154_9155del, p.Cys3053fs (NM_015120.4); short protein forms C3053fs, C3052fs.
Identifiers: ClinVar variation 555479 (VCV000555479.14), dbSNP rs1553409851, ClinGen allele CA658821986.
Genomic context (GRCh38, chr2:73,491,107, plus strand): 5'-TTAGCAGCATCTGCATCTACTCCTCCTTCAAATAGAAAAGCACTTTCTTGTGTTCATATA[ACT>A]CTTTGTCCCAAGACTTCTTCCAAGTTGGATAGTGGAACTTTAGATGAAAGATTCCATTCA-3'

ClinVar aggregate classification (germline): Pathogenic/Likely pathogenic. Review status: criteria provided, multiple submitters, no conflicts (2 of 4 stars). 4 submissions from 4 submitters: Pathogenic (2); Likely pathogenic (1). 1 of the submissions does not count toward it. Last evaluated 2022-04-02.

Conditions:
Alstrom syndrome (ALMS). Identifiers: Orphanet 64, MedGen C0268425, MONDO:0008763, OMIM 203800.

Submissions (4):

Labcorp Genetics (formerly Invitae), Labcorp
Classification: Pathogenic for Alstrom syndrome. Last evaluated: 2022-04-02. Review status: criteria provided, single submitter. Criteria: Invitae Variant Classification Sherloc (09022015). Collection method: clinical testing. Allele origin: germline.
Comment: This sequence change creates a premature translational stop signal (p.Cys3053Serfs*9) in the ALMS1 gene. It is expected to result in an absent or disrupted protein product. Loss-of-function variants in ALMS1 are known to be pathogenic (PMID: 17594715). This variant is not present in population databases (gnomAD no frequency). This premature translational stop signal has been observed in individual(s) with ALMS1-related conditions (PMID: 30029497). ClinVar contains an entry for this variant (Variation ID: 555479). For these reasons, this variant has been classified as Pathogenic.

Women's Health and Genetics/Laboratory Corporation of America, LabCorp
Classification: Likely pathogenic for Alstrom syndrome. Last evaluated: 2021-12-23. Review status: criteria provided, single submitter. Criteria: LabCorp Variant Classification Summary - May 2015. Collection method: clinical testing. Allele origin: germline.
Comment: Variant summary: ALMS1 c.9148_9149delCT (p.Cys3051SerfsX9) results in a premature termination codon, predicted to cause a truncation of the encoded protein or absence of the protein due to nonsense mediated decay, which are commonly known mechanisms for disease. Truncations downstream of this position have been classified as pathogenic by our laboratory. The variant was absent in 249182 control chromosomes. c.9148_9149delCT has been reported in the literature in one individual affected with Non-Syndromic Retinal Dystrophy (Wang_2018). To our knowledge, no experimental evidence demonstrating an impact on protein function has been reported. Two clinical diagnostic laboratories have submitted clinical-significance assessments for this variant to ClinVar after 2014 without evidence for independent evaluation. Both laboratories classified the variant as pathogenic/likely pathogenic. Based on the evidence outlined above, the variant was classified as likely pathogenic.

Juno Genomics, Hangzhou Juno Genomics, Inc
Classification: Pathogenic for Alstrom syndrome. Review status: criteria provided, single submitter. Criteria: ACMG Guidelines, 2015. Collection method: clinical testing. Allele origin: germline.
Comment: Absent from controls (or at extremely low frequency if recessive) in Genome Aggregation Database.;Null variant in a gene where loss of function (LOF) is a known mechanism of disease.;For recessive disorders, detected in trans with a pathogenic variant.

Counsyl
Classification: Likely pathogenic for Alstrom syndrome. Last evaluated: 2017-12-06. Review status: no assertion criteria provided. Collection method: clinical testing. Allele origin: unknown. Not counted in ClinVar's aggregate classification.

Literature cited by the submitters: PubMed 17594715 (cited by Labcorp Genetics (formerly Invitae), Labcorp); PubMed 30029497 (cited by Labcorp Genetics (formerly Invitae), Labcorp and Women's Health and Genetics/Laboratory Corporation of America, LabCorp).